The following is an entry in ClinVar:

ClinVar aggregate classification (germline): Uncertain significance. Review status: criteria provided, multiple submitters, no conflicts (2 of 4 stars). 2 submissions from 2 submitters: Uncertain significance (2). Last evaluated 2024-06-11.

Conditions:
Rubinstein-Taybi syndrome (RSTS). Identifiers: Orphanet 783, MedGen C0035934, MONDO:0019188.
Inborn genetic diseases. Identifiers: MedGen C0950123, MeSH D030342.

Allele frequency attached by ClinVar (database versions not stated): gnomAD 0.00001; TOPMed 0.00002.
gnomAD v4.1: 1 of 1,611,728 alleles (0.000062%); highest among the groups gnomAD compares: Admixed American, 0.0017%; no homozygotes.

Submissions (2):

Ambry Genetics
Classification: Uncertain significance for Inborn genetic diseases. Last evaluated: 2024-06-11. Review status: criteria provided, single submitter. Criteria: Ambry Variant Classification Scheme 2023. Collection method: clinical testing. Allele origin: germline.

Labcorp Genetics (formerly Invitae), Labcorp
Classification: Uncertain significance for Rubinstein-Taybi syndrome. Last evaluated: 2022-05-12. Review status: criteria provided, single submitter. Criteria: Invitae Variant Classification Sherloc (09022015). Collection method: clinical testing. Allele origin: germline.
Comment: This sequence change replaces proline, which is neutral and non-polar, with serine, which is neutral and polar, at codon 1885 of the CREBBP protein (p.Pro1885Ser). This variant is not present in population databases (gnomAD no frequency). This variant has not been reported in the literature in individuals affected with CREBBP-related conditions. Advanced modeling of protein sequence and biophysical properties (such as structural, functional, and spatial information, amino acid conservation, physicochemical variation, residue mobility, and thermodynamic stability) performed at Invitae indicates that this missense variant is not expected to disrupt CREBBP protein function. In summary, the available evidence is currently insufficient to determine the role of this variant in disease. Therefore, it has been classified as a Variant of Uncertain Significance.

NM_004380.3(CREBBP):c.5653C>T (p.Pro1885Ser)

Gene: CREBBP (CREB binding lysine acetyltransferase; minus strand). Cytogenetic location: 16p13.3.
Variant type: single nucleotide variant.
Coding change: c.5653C>T on transcript NM_004380.3 (MANE Select); coding-DNA position 5653, C replaced by T.
Protein change: p.Pro1885Ser; replaces proline 1885 with serine.
Molecular consequence: missense variant.
Genome position (GRCh38, 1-based): chr16:3,729,394, G>A on the plus strand (C>T on the coding strand, the complement: CREBBP is on the minus strand). VCF-style: chr16-3729394-G-A. GRCh37 (hg19) VCF-style: chr16-3779395-G-A.
Other names: c.5539C>T, p.Pro1847Ser (NM_001079846.1); c.5653C>T (NM_004380.2); short protein forms P1847S, P1885S.
Identifiers: ClinVar variation 2191487 (VCV002191487.5), dbSNP rs1238792069, ClinGen allele CA394555814.
Genomic context (GRCh38, chr16:3,729,394, plus strand): 5'-GCTGCGGCGTCTGGGGTGTGCTGGGCTGCTGTGTGGGGGTCCCGGGCGGTGCTGAGGTAG[G>A]AGAAGGCAGACTCTGCTGAGGCACGTTGCGGGTGTTCATGGTGGCCATCCGCCGGCGCAT-3'
Protein context (NP_004371.2, residues 1875-1895): RNVPQQSLPS[Pro1885Ser]TSAPPGTPTQ